The following is an entry in ClinVar:

ClinVar aggregate classification (germline): Benign (1 of 4 stars; one submission).

Conditions:
Cystic fibrosis (CF). Also called: MUCOVISCIDOSIS. Identifiers: Orphanet 586, MedGen C0010674, MONDO:0009061, OMIM 219700. Disease mechanism: loss of function.

Submission:

CFTR-France
Classification: Benign for cystic fibrosis. Last evaluated: 2018-01-29. Review status: criteria provided, single submitter. Criteria: Claustres M et al. (Hum Mutat 2017). Collection method: curation. Allele origin: germline. Affected: no.
Comment: the variant does not result in CFTR-RD neither

NM_000492.4(CFTR):c.1392+60dup

Genes: CFTR (CF transmembrane conductance regulator; plus strand), CFTR-AS1 (CFTR antisense RNA 1; minus strand). Cytogenetic location: 7q31.2.
Variant type: Duplication.
Coding change: c.1392+60dup on transcript NM_000492.4 (MANE Select); 60 bases into the intron after coding-DNA position 1392, one base duplicated (T; older notation c.1392+60dupT).
Molecular consequence: intron variant.
Genome position (GRCh38, 1-based): chr7:117,548,883, T duplicated; the last of 9 consecutive T bases (chr7:117,548,875-117,548,883); duplicating any one gives the same sequence. VCF-style (leftmost placement, unchanged base first): chr7-117548874-C-CT. GRCh37 (hg19) VCF-style: chr7-117188928-C-CT.
Identifiers: ClinVar variation 818107 (VCV000818107.1), dbSNP rs746240178, ClinGen allele CA4450993.